The following is an entry in ClinVar:

NM_001254.4(CDC6):c.305T>G (p.Leu102Arg)

Gene: CDC6 (cell division cycle 6; plus strand). Cytogenetic location: 17q21.2.
Variant type: single nucleotide variant.
Coding change: c.305T>G on transcript NM_001254.4 (MANE Select); coding-DNA position 305, T replaced by G.
Protein change: p.Leu102Arg; replaces leucine 102 with arginine.
Molecular consequence: missense variant.
Genome position (GRCh38, 1-based): chr17:40,291,184, T>G. VCF-style: chr17-40291184-T-G. GRCh37 (hg19) VCF-style: chr17-38447436-T-G.
Other names: short protein forms L102R.
Identifiers: ClinVar variation 2962803 (VCV002962803.3), dbSNP rs551481580, ClinGen allele CA399327271.
Genomic context (GRCh38, chr17:40,291,184, plus strand): 5'-AGAATGGTCCCCCTCACTCACATACACTTAAGGGACGAAGATTGGTATTTGACAATCAGC[T>G]GACAATTAAGTCTCCTAGCAAAAGAGAACTAGCCAAAGTTCACCAAAACAAAATACTTTC-3'
Protein context (NP_001245.1, residues 92-112): KGRRLVFDNQ[Leu102Arg]TIKSPSKREL

ClinVar aggregate classification (germline): Uncertain significance (1 of 4 stars; one submission).

gnomAD v4.1: 1 of 1,614,204 alleles (0.000062%); no homozygotes.

Submission:

Labcorp Genetics (formerly Invitae), Labcorp
Classification: Uncertain significance. Last evaluated: 2023-03-02. Review status: criteria provided, single submitter. Criteria: Invitae Variant Classification Sherloc (09022015). Collection method: clinical testing. Allele origin: germline.
Comment: This sequence change replaces leucine, which is neutral and non-polar, with arginine, which is basic and polar, at codon 102 of the CDC6 protein (p.Leu102Arg). In summary, the available evidence is currently insufficient to determine the role of this variant in disease. Therefore, it has been classified as a Variant of Uncertain Significance. An algorithm developed to predict the effect of missense changes on protein structure and function (PolyPhen-2) suggests that this variant is likely to be tolerated. This variant has not been reported in the literature in individuals affected with CDC6-related conditions. This variant is not present in population databases (gnomAD no frequency).